The following is an entry in ClinVar:

ClinVar aggregate classification (germline): Uncertain significance (1 of 4 stars; one submission).

Submission:

Labcorp Genetics (formerly Invitae), Labcorp
Classification: Uncertain significance. Last evaluated: 2023-11-27. Review status: criteria provided, single submitter. Criteria: Invitae Variant Classification Sherloc (09022015). Collection method: clinical testing. Allele origin: germline.
Comment: This sequence change replaces aspartic acid, which is acidic and polar, with asparagine, which is neutral and polar, at codon 122 of the TGFB1 protein (p.Asp122Asn). This variant is not present in population databases (gnomAD no frequency). This variant has not been reported in the literature in individuals affected with TGFB1-related conditions. ClinVar contains an entry for this variant (Variation ID: 2118022). An algorithm developed to predict the effect of missense changes on protein structure and function (PolyPhen-2) suggests that this variant is likely to be tolerated. In summary, the available evidence is currently insufficient to determine the role of this variant in disease. Therefore, it has been classified as a Variant of Uncertain Significance.

NM_000660.7(TGFB1):c.364G>A (p.Asp122Asn)

Gene: TGFB1 (transforming growth factor beta 1; minus strand). Cytogenetic location: 19q13.2.
Variant type: single nucleotide variant.
Coding change: c.364G>A on transcript NM_000660.7 (MANE Select); coding-DNA position 364, G replaced by A.
Protein change: p.Asp122Asn; replaces aspartic acid 122 with asparagine.
Molecular consequence: missense variant.
Genome position (GRCh38, 1-based): chr19:41,348,447, C>T on the plus strand (G>A on the coding strand, the complement: TGFB1 is on the minus strand). VCF-style: chr19-41348447-C-T. GRCh37 (hg19) VCF-style: chr19-41854352-C-T.
Other names: short protein forms D122N.
Identifiers: ClinVar variation 2118022 (VCV002118022.4), dbSNP rs2513387076, ClinGen allele CA406003843.